The following is an entry in ClinVar:

ClinVar aggregate classification (germline): Uncertain significance (1 of 4 stars; one submission).

gnomAD v4.1: 1 of 1,503,056 alleles (0.000067%); highest among the groups gnomAD compares: African/African-American, 0.0014%; no homozygotes.

Submission:

Labcorp Genetics (formerly Invitae), Labcorp
Classification: Uncertain significance. Last evaluated: 2025-10-23. Review status: criteria provided, single submitter. Criteria: Invitae Variant Classification Sherloc (09022015). Collection method: clinical testing. Allele origin: germline.
Comment: This sequence change replaces alanine, which is neutral and non-polar, with glutamic acid, which is acidic and polar, at codon 214 of the THBD protein (p.Ala214Glu). This variant is not present in population databases (gnomAD no frequency). This variant has not been reported in the literature in individuals affected with THBD-related conditions. Invitae Evidence Modeling of protein sequence and biophysical properties (such as structural, functional, and spatial information, amino acid conservation, physicochemical variation, residue mobility, and thermodynamic stability) indicates that this missense variant is not expected to disrupt THBD protein function with a negative predictive value of 80%. In summary, the available evidence is currently insufficient to determine the role of this variant in disease. Therefore, it has been classified as a Variant of Uncertain Significance.

NM_000361.3(THBD):c.641C>A (p.Ala214Glu)

Gene: THBD (thrombomodulin; minus strand). Cytogenetic location: 20p11.21.
Variant type: single nucleotide variant.
Coding change: c.641C>A on transcript NM_000361.3 (MANE Select); coding-DNA position 641, C replaced by A.
Protein change: p.Ala214Glu; replaces alanine 214 with glutamic acid.
Molecular consequence: missense variant.
Genome position (GRCh38, 1-based): chr20:23,048,864, G>T on the plus strand (C>A on the coding strand, the complement: THBD is on the minus strand). VCF-style: chr20-23048864-G-T. GRCh37 (hg19) VCF-style: chr20-23029501-G-T.
Other names: short protein forms A214E.
Identifiers: ClinVar variation 4743163 (VCV004743163.1).
Genomic context (GRCh38, chr20:23,048,864, plus strand): 5'-TGCCCCTGGACCGCTCCGGGCGGCGCGGTGCACATTAGCTGTAAGCCGAGGGGAGCCACC[G>T]CGGCGGAGCTGCCCACCGGCAGCGCCTGGAAGTCCGCTCCGCGGGCCGCGAACGGGGTGC-3'
Protein context (NP_000352.1, residues 204-224): FQALPVGSSA[Ala214Glu]VAPLGLQLMC